The following is an entry in ClinVar:

NM_018451.5(CPAP):c.3275dup (p.Tyr1092Ter)

Gene: CPAP (centrosome assembly and centriole elongation protein; minus strand). Cytogenetic location: 13q12.12.
Variant type: Duplication.
Coding change: c.3275dup on transcript NM_018451.5 (MANE Select); coding-DNA position 3275, one base duplicated (A; older notation c.3275dupA).
Protein change: p.Tyr1092Ter; replaces tyrosine 1092 with a stop codon.
Molecular consequence: nonsense. On other transcripts: non-coding transcript variant (1).
Genome position (GRCh38, 1-based): chr13:24,889,342, T duplicated on the plus strand (A on the coding strand, the reverse complement: CPAP is on the minus strand). VCF-style (leftmost placement, unchanged base first): chr13-24889341-G-GT. GRCh37 (hg19) VCF-style: chr13-25463479-G-GT.
Other names: short protein forms Y1092*.
Identifiers: ClinVar variation 3700098 (VCV003700098.2).

ClinVar aggregate classification (germline): Pathogenic (1 of 4 stars; one submission).

Submission:

Labcorp Genetics (formerly Invitae), Labcorp
Classification: Pathogenic. Last evaluated: 2024-11-21. Review status: criteria provided, single submitter. Criteria: Invitae Variant Classification Sherloc (09022015). Collection method: clinical testing. Allele origin: germline.
Comment: This sequence change creates a premature translational stop signal (p.Tyr1092*) in the CENPJ gene. It is expected to result in an absent or disrupted protein product. Loss-of-function variants in CENPJ are known to be pathogenic (PMID: 15793586, 16900296, 20522431). This variant is present in population databases (rs747494411, gnomAD 0.003%). This variant has not been reported in the literature in individuals affected with CENPJ-related conditions. For these reasons, this variant has been classified as Pathogenic.

Literature cited by the submitters: PubMed 15793586; PubMed 16900296; PubMed 20522431.